The following is an entry in ClinVar:

NM_001129.5(AEBP1):c.2756C>T (p.Pro919Leu)

Gene: AEBP1 (AE binding protein 1; plus strand). Cytogenetic location: 7p13.
Variant type: single nucleotide variant.
Coding change: c.2756C>T on transcript NM_001129.5 (MANE Select); coding-DNA position 2756, C replaced by T.
Protein change: p.Pro919Leu; replaces proline 919 with leucine.
Molecular consequence: missense variant.
Genome position (GRCh38, 1-based): chr7:44,113,298, C>T. VCF-style: chr7-44113298-C-T. GRCh37 (hg19) VCF-style: chr7-44152897-C-T.
Other names: p.Pro919Leu; short protein forms P919L.
Identifiers: ClinVar variation 3379759 (VCV003379759.1).
Genomic context (GRCh38, chr7:44,113,298, plus strand): 5'-ACCTGCTTCCCTAGGTGCACCGCGGCATTAAGGGGGTGGTGACGGACGAGCAAGGCATCC[C>T]CATTGCCAACGCCACCATCTCTGTGAGTGGCATTAATCACGGCGTGAAGACAGGTACCTA-3'
Protein context (NP_001120.3, residues 909-929): KGVVTDEQGI[Pro919Leu]IANATISVSG

ClinVar aggregate classification (germline): Uncertain significance (1 of 4 stars; one submission).

Submission:

Mayo Clinic Laboratories, Mayo Clinic
Classification: Uncertain significance. Last evaluated: 2024-06-26. Review status: criteria provided, single submitter. Criteria: ACMG Guidelines, 2015. Collection method: clinical testing. Allele origin: germline. Observed: 1 variant allele.
Comment: BP4, PM2